The following is an entry in ClinVar:

ClinVar aggregate classification (germline): Uncertain significance (1 of 4 stars; one submission).

Conditions:
Baller-Gerold syndrome (BGS). Also called: CRANIOSYNOSTOSIS WITH RADIAL DEFECTS. Identifiers: Orphanet 1225, MedGen C0265308, MONDO:0009039, OMIM 218600.

Allele frequency attached by ClinVar (database versions not stated): gnomAD exomes below 0.00001; gnomAD 0.00001; TOPMed 0.00001.
gnomAD v4.1: 3 of 1,612,434 alleles (0.00019%); highest among the groups gnomAD compares: Non-Finnish European, 0.00025%; no homozygotes.

Submission:

Labcorp Genetics (formerly Invitae), Labcorp
Classification: Uncertain significance for Baller-Gerold syndrome. Last evaluated: 2025-10-25. Review status: criteria provided, single submitter. Criteria: Invitae Variant Classification Sherloc (09022015). Collection method: clinical testing. Allele origin: germline.
Comment: This sequence change replaces leucine, which is neutral and non-polar, with valine, which is neutral and non-polar, at codon 947 of the RECQL4 protein (p.Leu947Val). This variant is not present in population databases (gnomAD no frequency). This variant has not been reported in the literature in individuals affected with RECQL4-related conditions. ClinVar contains an entry for this variant (Variation ID: 2179634). Invitae Evidence Modeling of protein sequence and biophysical properties (such as structural, functional, and spatial information, amino acid conservation, physicochemical variation, residue mobility, and thermodynamic stability) indicates that this missense variant is not expected to disrupt RECQL4 protein function with a negative predictive value of 80%. In summary, the available evidence is currently insufficient to determine the role of this variant in disease. Therefore, it has been classified as a Variant of Uncertain Significance.

NM_004260.4(RECQL4):c.2839C>G (p.Leu947Val)

Gene: RECQL4 (RecQ like helicase 4; minus strand). Cytogenetic location: 8q24.3.
Variant type: single nucleotide variant.
Coding change: c.2839C>G on transcript NM_004260.4 (MANE Select); coding-DNA position 2839, C replaced by G.
Protein change: p.Leu947Val; replaces leucine 947 with valine.
Molecular consequence: missense variant.
Genome position (GRCh38, 1-based): chr8:144,512,688, G>C on the plus strand (C>G on the coding strand, the complement: RECQL4 is on the minus strand). VCF-style: chr8-144512688-G-C. GRCh37 (hg19) VCF-style: chr8-145738071-G-C.
Other names: c.2545C>G, p.Leu849Val (NM_001413017.1); c.2641C>G, p.Leu881Val (NM_001413018.1); c.2914C>G, p.Leu972Val (NM_001413019.1); c.2743C>G, p.Leu915Val (NM_001413020.1); c.1768C>G, p.Leu590Val (NM_001413021.1, NM_001413022.1, NM_001413024.1 and 4 more transcripts); c.1843C>G, p.Leu615Val (NM_001413023.1); c.2710C>G, p.Leu904Val (NM_001413025.1); c.1702C>G, p.Leu568Val (NM_001413027.1, NM_001413030.1, NM_001413032.1); and 9 more; short protein forms L830V, L903V, L904V, L915V, L937V, L524V, L546V, L881V.
Identifiers: ClinVar variation 2179634 (VCV002179634.4), dbSNP rs1327327028, ClinGen allele CA372674098.